The following is an entry in ClinVar:

ClinVar aggregate classification (germline): Uncertain significance (1 of 4 stars; one submission).

Conditions:
Neuroblastoma, susceptibility to, 3. Also called: ALK-Related Neuroblastic Tumor Susceptibility. Identifiers: Orphanet 635, MedGen C2751681, MONDO:0013083, OMIM 613014.

Submission:

Labcorp Genetics (formerly Invitae), Labcorp
Classification: Uncertain significance for Neuroblastoma, susceptibility to, 3. Last evaluated: 2025-11-04. Review status: criteria provided, single submitter. Criteria: Invitae Variant Classification Sherloc (09022015). Collection method: clinical testing. Allele origin: germline.
Comment: This sequence change replaces leucine, which is neutral and non-polar, with methionine, which is neutral and non-polar, at codon 173 of the ALK protein (p.Leu173Met). This variant is not present in population databases (gnomAD no frequency). This variant has not been reported in the literature in individuals affected with ALK-related conditions. An algorithm developed to predict the effect of missense changes on protein structure and function (PolyPhen-2) suggests that this variant is likely to be disruptive. In summary, the available evidence is currently insufficient to determine the role of this variant in disease. Therefore, it has been classified as a Variant of Uncertain Significance.

NM_004304.5(ALK):c.517C>A (p.Leu173Met)

Gene: ALK (ALK receptor tyrosine kinase; minus strand). Cytogenetic location: 2p23.1.
Variant type: single nucleotide variant.
Coding change: c.517C>A on transcript NM_004304.5 (MANE Select); coding-DNA position 517, C replaced by A.
Protein change: p.Leu173Met; replaces leucine 173 with methionine.
Molecular consequence: missense variant.
Genome position (GRCh38, 1-based): chr2:29,920,143, G>T on the plus strand (C>A on the coding strand, the complement: ALK is on the minus strand). VCF-style: chr2-29920143-G-T. GRCh37 (hg19) VCF-style: chr2-30143009-G-T.
Other names: short protein forms L173M.
Identifiers: ClinVar variation 4730511 (VCV004730511.1).